The following is an entry in ClinVar:

ClinVar aggregate classification (germline): Uncertain significance (1 of 4 stars; one submission).

Conditions:
Baller-Gerold syndrome (BGS). Also called: CRANIOSYNOSTOSIS WITH RADIAL DEFECTS. Identifiers: Orphanet 1225, MedGen C0265308, MONDO:0009039, OMIM 218600.

Submission:

Labcorp Genetics (formerly Invitae), Labcorp
Classification: Uncertain significance for Baller-Gerold syndrome. Last evaluated: 2019-08-30. Review status: criteria provided, single submitter. Criteria: Invitae Variant Classification Sherloc (09022015). Collection method: clinical testing. Allele origin: germline.
Comment: In summary, the available evidence is currently insufficient to determine the role of this variant in disease. Therefore, it has been classified as a Variant of Uncertain Significance. Algorithms developed to predict the effect of missense changes on protein structure and function are either unavailable or do not agree on the potential impact of this missense change (SIFT: "Deleterious"; PolyPhen-2: "Not Available"; Align-GVGD: "Class C0"). This variant has not been reported in the literature in individuals with RECQL4-related conditions. This variant is not present in population databases (ExAC no frequency). This sequence change replaces glycine with valine at codon 283 of the RECQL4 protein (p.Gly283Val). The glycine residue is highly conserved and there is a moderate physicochemical difference between glycine and valine.

NM_004260.4(RECQL4):c.848G>T (p.Gly283Val)

Gene: RECQL4 (RecQ like helicase 4; minus strand). Cytogenetic location: 8q24.3.
Variant type: single nucleotide variant.
Coding change: c.848G>T on transcript NM_004260.4 (MANE Select); coding-DNA position 848, G replaced by T.
Protein change: p.Gly283Val; replaces glycine 283 with valine.
Molecular consequence: missense variant.
Genome position (GRCh38, 1-based): chr8:144,516,271, C>A on the plus strand (G>T on the coding strand, the complement: RECQL4 is on the minus strand). VCF-style: chr8-144516271-C-A. GRCh37 (hg19) VCF-style: chr8-145741655-C-A.
Other names: short protein forms G283V.
Identifiers: ClinVar variation 954380 (VCV000954380.5), dbSNP rs1814964597, ClinGen allele CA372688957.